The following is an entry in ClinVar:

ClinVar aggregate classification (germline): Benign. Review status: criteria provided, multiple submitters, no conflicts (2 of 4 stars). 3 submissions from 3 submitters: Benign (3). Last evaluated 2025-12-15.

Conditions:
Congenital myasthenic syndrome 12 (CMS12). Also called: MYASTHENIC SYNDROME, CONGENITAL, WITH TUBULAR AGGREGATES 1; Myasthenia, congenital, 12, with tubular aggregates. Identifiers: Orphanet 353327, Orphanet 590, MedGen C3552335, MONDO:0012518, OMIM 610542.

Submissions (3):

Labcorp Genetics (formerly Invitae), Labcorp
Classification: Benign for Congenital myasthenic syndrome 12. Last evaluated: 2025-12-15. Review status: criteria provided, single submitter. Criteria: Invitae Variant Classification Sherloc (09022015). Collection method: clinical testing. Allele origin: germline.

Mayo Clinic Laboratories, Mayo Clinic
Classification: Benign. Last evaluated: 2024-11-18. Review status: criteria provided, single submitter. Criteria: ACMG Guidelines, 2015. Collection method: clinical testing. Allele origin: germline. Observed: 32 variant alleles.
Comment: BA1, BP4, BP7

GeneDx
Classification: Benign. Last evaluated: 2019-08-27. Review status: criteria provided, single submitter. Criteria: GeneDx Variant Classification Process June 2021. Collection method: clinical testing. Allele origin: germline. Affected: yes.

NM_001244710.2(GFPT1):c.2056-12_2056-11del

Gene: GFPT1 (glutamine--fructose-6-phosphate transaminase 1; minus strand). Cytogenetic location: 2p13.3.
Variant type: Deletion.
Coding change: c.2056-12_2056-11del on transcript NM_001244710.2 (MANE Select); 12 bases into the intron before coding-DNA position 2056 through 11 bases into the intron before coding-DNA position 2056, 2 bases deleted (TT; older notation c.2056-12_2056-11delTT).
Molecular consequence: intron variant.
Genome position (GRCh38, 1-based): chr2:69,326,244-69,326,245, AA deleted on the plus strand (TT on the coding strand, the reverse complement: GFPT1 is on the minus strand); deleting any 2 consecutive bases within chr2:69,326,244-69,326,256 gives the same sequence; the c. name uses the placement nearest the transcript's 3' end. VCF-style (leftmost placement, unchanged base first): chr2-69326243-GAA-G. GRCh37 (hg19) VCF-style: chr2-69553375-GAA-G.
Other names: p.?; c.2002-12_2002-11del (NM_002056.4).
Identifiers: ClinVar variation 336874 (VCV000336874.16), dbSNP rs201268947, ClinGen allele CA1693499.